The following is an entry in ClinVar:

NC_000019.9:g.(?_50909693)_50912034del

Gene: POLD1 (DNA polymerase delta 1, catalytic subunit; plus strand).
Variant type: Deletion.
Identifiers: ClinVar variation 1035815 (VCV001035815.2).

ClinVar aggregate classification (germline): Uncertain significance (1 of 4 stars; one submission).

Conditions:
POLD1-related polyposis and colorectal cancer syndrome (CRCS10). Also called: Colorectal cancer 10; COLORECTAL CANCER, SUSCEPTIBILITY TO, ON CHROMOSOME 19q; Colorectal cancer, susceptibility to, 10. Identifiers: Orphanet 220460, MedGen C2675481, MONDO:0012953, OMIM 612591.

Submission:

Labcorp Genetics (formerly Invitae), Labcorp
Classification: Uncertain significance for POLD1-related polyposis and colorectal cancer syndrome. Last evaluated: 2019-12-09. Review status: criteria provided, single submitter. Criteria: Invitae Variant Classification Sherloc (09022015). Collection method: clinical testing. Allele origin: germline.
Comment: This variant is a deletion of the genomic region encompassing part of exon 12 and exons 13-14 (c.1413_1776-8del) of the POLD1 gene. It is expected to disrupt RNA splicing and likely results in an absent or disrupted protein product. This variant has not been reported in the literature in individuals with POLD1-related conditions. Missense variants that disrupt the 3'-5' exonuclease (proof-reading) activity of the POLD1 protein, while not abolishing its polymerase enzyme activity, are associated with an increased risk for colonic adenomatous polyps and colon cancer (PMID: 23263490, 23447401). Loss-of-function variants, which result in an absent or severely disrupted POLD1 protein, are therefore unlikely to be associated with disease. Without further clinical and genetic evidence, however, this variant has been classified as a Variant of Uncertain Significance.

Literature cited by the submitters: PubMed 23263490; PubMed 23447401.